The following is an entry in ClinVar:

ClinVar aggregate classification (germline): Uncertain significance (1 of 4 stars; one submission).

Conditions:
Hereditary cancer-predisposing syndrome. Also called: Hereditary neoplastic syndrome; Neoplastic Syndromes, Hereditary; Tumor predisposition; Hereditary Cancer Syndrome. Identifiers: Orphanet 140162, MedGen C0027672, MeSH D009386, MONDO:0015356.

gnomAD v4.1: 1 of 1,562,234 alleles (0.000064%); highest among the groups gnomAD compares: Non-Finnish European, 0.000087%; no homozygotes.

Submission:

Ambry Genetics
Classification: Uncertain significance for Hereditary cancer-predisposing syndrome. Last evaluated: 2025-08-31. Review status: criteria provided, single submitter. Criteria: Ambry Variant Classification Scheme 2023. Collection method: clinical testing. Allele origin: germline.
Comment: The p.C360S variant (also known as c.1079G>C), located in coding exon 8 of the POLD1 gene, results from a G to C substitution at nucleotide position 1079. The cysteine at codon 360 is replaced by serine, an amino acid with dissimilar properties. This amino acid position is conserved. In addition, the in silico prediction for this alteration is inconclusive. Based on the available evidence, the clinical significance of this variant remains unclear.

NM_002691.4(POLD1):c.1079G>C (p.Cys360Ser)

Gene: POLD1 (DNA polymerase delta 1, catalytic subunit; plus strand). Cytogenetic location: 19q13.33.
Variant type: single nucleotide variant.
Coding change: c.1079G>C on transcript NM_002691.4 (MANE Select); coding-DNA position 1079, G replaced by C.
Protein change: p.Cys360Ser; replaces cysteine 360 with serine.
Molecular consequence: missense variant. On other transcripts: non-coding transcript variant (1).
Genome position (GRCh38, 1-based): chr19:50,403,161, G>C. VCF-style: chr19-50403161-G-C. GRCh37 (hg19) VCF-style: chr19-50906418-G-C.
Other names: c.1079G>C, p.Cys360Ser (NM_001256849.1, NM_001308632.1, NM_001438210.1 and 3 more transcripts); short protein forms C360S.
Identifiers: ClinVar variation 4141031 (VCV004141031.1).
Genomic context (GRCh38, chr19:50,403,161, plus strand): 5'-TGGGCCTGCGCTGGGGGGAGCCGGAGCCCTTCCTACGCCTGGCGCTCACCCTGCGGCCCT[G>C]TGCCCCCATCCTGGGTGCCAAGGTGCAGAGCTACGAGAAGGAGGAGGACCTGCTGCAGGT-3'
Protein context (NP_002682.2, residues 350-370): FLRLALTLRP[Cys360Ser]APILGAKVQS